The following is an entry in ClinVar:

ClinVar aggregate classification (germline): Pathogenic. Review status: criteria provided, single submitter (1 of 4 stars). 2 submissions from 2 submitters: Pathogenic (1). 1 of the submissions does not count toward it. Last evaluated 2023-07-13.

Conditions:
Pterin-4 alpha-carbinolamine dehydratase 1 deficiency. Also called: CADH DEFICIENCY; Hyperphenylalaninemia due to dehydratase deficiency; HYPERPHENYLALANINEMIA WITH PRIMAPTERINURIA; HYPERPHENYLALANINEMIA, TETRAHYDROBIOPTERIN-DEFICIENT, DUE TO PTERIN-4-ALPHA-CARBINOLAMINE DEHYDRATASE DEFICIENCY. Identifiers: Orphanet 1578, Orphanet 238583, MedGen C1849700, MONDO:0009908, OMIM 264070.

Allele frequency attached by ClinVar (database versions not stated): gnomAD exomes below 0.00001.

Submissions (2):

Labcorp Genetics (formerly Invitae), Labcorp
Classification: Pathogenic for Pterin-4 alpha-carbinolamine dehydratase 1 deficiency. Last evaluated: 2023-07-13. Review status: criteria provided, single submitter. Criteria: Invitae Variant Classification Sherloc (09022015). Collection method: clinical testing. Allele origin: germline.
Comment: For these reasons, this variant has been classified as Pathogenic. This sequence change creates a premature translational stop signal (p.Leu16Cysfs*5) in the PCBD1 gene. It is expected to result in an absent or disrupted protein product. Loss-of-function variants in PCBD1 are known to be pathogenic (PMID: 958615). This variant is present in population databases (rs397518414, gnomAD 0.0009%). This premature translational stop signal has been observed in individual(s) with early-onset diabetes (PMID: 24848070). ClinVar contains an entry for this variant (Variation ID: 91905).

Pediatric Diabetes Laboratory, Experimental and Clinical Research Center (ECRC)
No classification provided. Review status: no classification provided. Collection method: not provided. Allele origin: germline. Not counted in ClinVar's aggregate classification.
Comment: The ss number is needed for publication. We ask it to be held from public release until the manuscript gets accepted. We also kindly request this submission to be processed in the faster than regular way.

Literature cited by the submitters: PubMed 958615 (cited by Labcorp Genetics (formerly Invitae), Labcorp); PubMed 24848070 (cited by Labcorp Genetics (formerly Invitae), Labcorp).

NM_000281.4(PCBD1):c.46del (p.Leu16fs)

Gene: PCBD1 (pterin-4 alpha-carbinolamine dehydratase 1; minus strand). Cytogenetic location: 10q22.1.
Variant type: Deletion.
Coding change: c.46del on transcript NM_000281.4 (MANE Select); coding-DNA position 46, one base deleted (C; older notation c.46delC).
Protein change: p.Leu16fs; shifts the reading frame from leucine 16.
Molecular consequence: frameshift variant. On other transcripts: 5 prime UTR variant (1).
Genome position (GRCh38, 1-based): chr10:70,885,887, G deleted on the plus strand (C on the coding strand, the reverse complement: PCBD1 is on the minus strand). VCF-style (leftmost placement, unchanged base first): chr10-70885886-AG-A. GRCh37 (hg19) VCF-style: chr10-72645643-AG-A.
Other names: c.-102del (NM_001289797.2); c.46del, p.Leu16fs (NM_001323004.2); short protein forms L16fs.
Identifiers: ClinVar variation 91905 (VCV000091905.4), dbSNP rs397518414, ClinGen allele CA233050.